The following is an entry in ClinVar:

ClinVar aggregate classification (germline): Uncertain significance (1 of 4 stars; one submission).

Submission:

GeneDx
Classification: Uncertain significance. Last evaluated: 2021-12-06. Review status: criteria provided, single submitter. Criteria: GeneDx Variant Classification Process June 2021. Collection method: clinical testing. Allele origin: germline. Affected: yes.
Comment: Has not been previously published as pathogenic or benign to our knowledge; Not observed at significant frequency in large population cohorts (gnomAD); Frameshift variant predicted to result in protein truncation as the last 36 amino acids are replaced with 22 different amino acids, although loss-of-function variants have not been reported downstream of this position in the protein

NM_003238.6(TGFB2):c.1134_1135insA (p.Cys379fs)

Gene: TGFB2 (transforming growth factor beta 2; plus strand). Cytogenetic location: 1q41.
Variant type: Insertion.
Coding change: c.1134_1135insA on transcript NM_003238.6 (MANE Select); coding-DNA positions 1134 to 1135, A inserted.
Protein change: p.Cys379fs; shifts the reading frame from cysteine 379.
Molecular consequence: frameshift variant. On other transcripts: non-coding transcript variant (2).
Genome position: GRCh38 VCF-style: chr1-218441251-T-TA. GRCh37 (hg19) VCF-style: chr1-218614593-T-TA.
Other names: c.1218_1219insA, p.Cys407fs (NM_001135599.4); short protein forms C379fs, C407fs.
Identifiers: ClinVar variation 1691157 (VCV001691157.2), dbSNP rs2102634374, ClinGen allele CA2573132671.